The following is an entry in ClinVar:

NM_000152.5(GAA):c.1273C>A (p.Pro425Thr)

Gene: GAA (alpha glucosidase; plus strand). Cytogenetic location: 17q25.3.
Variant type: single nucleotide variant.
Coding change: c.1273C>A on transcript NM_000152.5 (MANE Select); coding-DNA position 1273, C replaced by A.
Protein change: p.Pro425Thr; replaces proline 425 with threonine.
Molecular consequence: missense variant.
Genome position (GRCh38, 1-based): chr17:80,108,775, C>A. VCF-style: chr17-80108775-C-A. GRCh37 (hg19) VCF-style: chr17-78082574-C-A.
Other names: c.1273C>A, p.Pro425Thr (NM_001079803.3, NM_001079804.3); short protein forms P425T.
Identifiers: ClinVar variation 1387055 (VCV001387055.3), dbSNP rs1283810246, ClinGen allele CA401365327.

ClinVar aggregate classification (germline): Uncertain significance (1 of 4 stars; one submission).

Conditions:
Glycogen storage disease, type II (IOPD). Also called: CARDIOMEGALIA GLYCOGENICA DIFFUSA; POMPE DISEASE, INFANTILE-ONSET; GLYCOGEN STORAGE DISEASE II, INFANTILE-ONSET; ACID ALPHA-GLUCOSIDASE DEFICIENCY, INFANTILE-ONSET; GAA DEFICIENCY, INFANTILE-ONSET; ACID MALTASE DEFICIENCY, INFANTILE-ONSET. Identifiers: Orphanet 365, MedGen C0017921, MONDO:0009290, OMIM 232300.

Allele frequency attached by ClinVar (database versions not stated): TOPMed below 0.00001.
gnomAD v4.1: 3 of 1,609,352 alleles (0.00019%); highest among the groups gnomAD compares: African/African-American, 0.004%; no homozygotes.

Submission:

Labcorp Genetics (formerly Invitae), Labcorp
Classification: Uncertain significance for Glycogen storage disease, type II. Last evaluated: 2022-07-16. Review status: criteria provided, single submitter. Criteria: Invitae Variant Classification Sherloc (09022015). Collection method: clinical testing. Allele origin: germline.
Comment: This sequence change replaces proline, which is neutral and non-polar, with threonine, which is neutral and polar, at codon 425 of the GAA protein (p.Pro425Thr). The frequency data for this variant in the population databases is considered unreliable, as metrics indicate poor data quality at this position in the gnomAD database. This variant has not been reported in the literature in individuals affected with GAA-related conditions. ClinVar contains an entry for this variant (Variation ID: 1387055). Advanced modeling of protein sequence and biophysical properties (such as structural, functional, and spatial information, amino acid conservation, physicochemical variation, residue mobility, and thermodynamic stability) performed at Invitae indicates that this missense variant is expected to disrupt GAA protein function. In summary, the available evidence is currently insufficient to determine the role of this variant in disease. Therefore, it has been classified as a Variant of Uncertain Significance.